The following is an entry in ClinVar:

NM_001204.7(BMPR2):c.353G>C (p.Cys118Ser)

Gene: BMPR2 (bone morphogenetic protein receptor type 2; plus strand). Cytogenetic location: 2q33.1.
Variant type: single nucleotide variant.
Coding change: c.353G>C on transcript NM_001204.7 (MANE Select); coding-DNA position 353, G replaced by C.
Protein change: p.Cys118Ser; replaces cysteine 118 with serine.
Molecular consequence: missense variant.
Genome position (GRCh38, 1-based): chr2:202,467,624, G>C. VCF-style: chr2-202467624-G-C. GRCh37 (hg19) VCF-style: chr2-203332347-G-C.
Other names: short protein forms C118S.
Identifiers: ClinVar variation 4746080 (VCV004746080.1).

ClinVar aggregate classification (germline): Pathogenic (1 of 4 stars; one submission).

Conditions:
Primary pulmonary hypertension. Also called: Idiopathic pulmonary hypertension. Identifiers: MedGen C0152171.

Submission:

Labcorp Genetics (formerly Invitae), Labcorp
Classification: Pathogenic for Primary pulmonary hypertension. Last evaluated: 2025-10-29. Review status: criteria provided, single submitter. Criteria: Invitae Variant Classification Sherloc (09022015). Collection method: clinical testing. Allele origin: germline.
Comment: This sequence change replaces cysteine, which is neutral and slightly polar, with serine, which is neutral and polar, at codon 118 of the BMPR2 protein (p.Cys118Ser). This variant is not present in population databases (gnomAD no frequency). This missense change has been observed in individual(s) with pulmonary hypertension (PMID: 30679663). Invitae Evidence Modeling of protein sequence and biophysical properties (such as structural, functional, and spatial information, amino acid conservation, physicochemical variation, residue mobility, and thermodynamic stability) indicates that this missense variant is expected to disrupt BMPR2 protein function with a positive predictive value of 95%. This variant disrupts the p.Cys118 amino acid residue in BMPR2. Other variant(s) that disrupt this residue have been determined to be pathogenic (PMID: 10973254, 12045205, 25688877, 31727138). This suggests that this residue is clinically significant, and that variants that disrupt this residue are likely to be disease-causing. For these reasons, this variant has been classified as Pathogenic.

Literature cited by the submitters: PubMed 30679663; PubMed 10973254; PubMed 12045205; PubMed 25688877; PubMed 31727138.